The following is an entry in ClinVar:

NC_000023.10:g.(152826346_152827592)_(152827701_152830378)dup

Gene: ATP2B3 (ATPase plasma membrane Ca2+ transporting 3; plus strand). Cytogenetic location: Xq28.
Variant type: Duplication.
Identifiers: ClinVar variation 3366529 (VCV003366529.1).

ClinVar aggregate classification (germline): Uncertain significance (1 of 4 stars; one submission).

Submission:

Women's Health and Genetics/Laboratory Corporation of America, LabCorp
Classification: Uncertain significance. Last evaluated: 2024-08-02. Review status: criteria provided, single submitter. Criteria: LabCorp Variant Classification Summary - May 2015. Collection method: clinical testing. Allele origin: germline.
Comment: Variant summary: The variant involves the duplication of exon 20 in the ATP2B3 gene. A presumed nomenclature of c.(3051+1_3052-1)_(3159+1_3160-1)dup has been designated for the purposes of this classification. It is assumed to be a tandem duplication in direct orientation (PMIDs: 25640679, 30054569). This Copy Number Variant (CNV) is predicted to result in an in-frame duplication of 36 amino acids within this gene. The variant was absent in 46441 control chromosomes. The available data on variant occurrences in the general population are insufficient to allow any conclusion about variant significance. To our knowledge, no occurrence of c.(3051+1_3052-1)_(3159+1_3160-1)dup in individuals affected with X-Linked Progressive Cerebellar Ataxia and no experimental evidence demonstrating its impact on protein function have been reported. No submitters have cited clinical-significance assessments for this variant to ClinVar. Based on the evidence outlined above, the variant was classified as uncertain significance.